The following is an entry in ClinVar:

NM_003072.5(SMARCA4):c.3271A>G (p.Lys1091Glu)

Gene: SMARCA4 (SWI/SNF related BAF chromatin remodeling complex subunit ATPase 4; plus strand). Cytogenetic location: 19p13.2.
Variant type: single nucleotide variant.
Coding change: c.3271A>G on transcript NM_003072.5 (MANE Select); coding-DNA position 3271, A replaced by G.
Protein change: p.Lys1091Glu; replaces lysine 1091 with glutamic acid.
Molecular consequence: missense variant. On other transcripts: non-coding transcript variant (1).
Genome position (GRCh38, 1-based): chr19:11,027,839, A>G. VCF-style: chr19-11027839-A-G. GRCh37 (hg19) VCF-style: chr19-11138515-A-G.
Other names: c.3271A>G, p.Lys1091Glu (NM_001128844.3, NM_001128845.2, NM_001128846.2 and 6 more transcripts); short protein forms K1091E.
Identifiers: ClinVar variation 2053720 (VCV002053720.4), dbSNP rs2146542925, ClinGen allele CA404061452.
Genomic context (GRCh38, chr19:11,027,839, plus strand): 5'-TCCAGGCTGGACCTGTACCGAGCCTCGGGTAAATTTGAGCTTCTTGATAGAATTCTTCCC[A>G]AACTCCGAGCAACCAACCACAAAGTGCTGCTGTTCTGCCAAATGACCTCCCTCATGACCA-3'
Protein context (NP_003063.2, residues 1081-1101): KFELLDRILP[Lys1091Glu]LRATNHKVLL

ClinVar aggregate classification (germline): Uncertain significance (1 of 4 stars; one submission).

Conditions:
Rhabdoid tumor predisposition syndrome 2 (RTPS2). Identifiers: Orphanet 231108, Orphanet 69077, MedGen C2750074, MONDO:0013224, OMIM 613325.

Submission:

Labcorp Genetics (formerly Invitae), Labcorp
Classification: Uncertain significance for Rhabdoid tumor predisposition syndrome 2. Last evaluated: 2021-12-22. Review status: criteria provided, single submitter. Criteria: Invitae Variant Classification Sherloc (09022015). Collection method: clinical testing. Allele origin: germline.
Comment: This sequence change replaces lysine, which is basic and polar, with glutamic acid, which is acidic and polar, at codon 1091 of the SMARCA4 protein (p.Lys1091Glu). This variant is not present in population databases (gnomAD no frequency). In summary, the available evidence is currently insufficient to determine the role of this variant in disease. Therefore, it has been classified as a Variant of Uncertain Significance. Algorithms developed to predict the effect of missense changes on protein structure and function (SIFT, PolyPhen-2, Align-GVGD) all suggest that this variant is likely to be disruptive. This variant has not been reported in the literature in individuals affected with SMARCA4-related conditions.